The following is an entry in ClinVar:

ClinVar aggregate classification (germline): Pathogenic. Review status: criteria provided, multiple submitters, no conflicts (2 of 4 stars). 4 submissions from 4 submitters: Pathogenic (4). Last evaluated 2025-06-26.

Conditions:
Epidermolysis bullosa dystrophica. Also called: Dystrophic epidermolysis bullosa, Hallopeau-Siemens type (formerly); Dystrophic epidermolysis bullosa. Identifiers: Orphanet 303, MedGen C0079294, MONDO:0006543.
Recessive dystrophic epidermolysis bullosa (RDEB). Also called: severe generalized recessive dystrophic epidermolysis bullosa; epidermolysis bullosa dystrophica, autosomal recessive; Hallopeau-Siemens Disease; EPIDERMOLYSIS BULLOSA DYSTROPHICA, GENERALIZED SEVERE, AUTOSOMAL RECESSIVE; Recessive DEB (RDEB); Epidermolysis Bullosa Distrophica Autosomal Recessive (RDEB). Identifiers: Orphanet 79408, Orphanet 79409, MedGen C0079474, MONDO:0009179, OMIM 226600.

Allele frequency attached by ClinVar (database versions not stated): TOPMed 0.00002.

Submissions (4):

Natera, Inc.
Classification: Pathogenic for Dystrophic epidermolysis bullosa. Last evaluated: 2025-06-26. Review status: criteria provided, single submitter. Criteria: Natera Variant Classification Schema (03/2026). Collection method: clinical testing. Allele origin: germline.
Comment: The c.7244dupT variant in COL7A1 is a frameshift variant predicted to shift the reading frame beginning at codon 2415 and leads to a stop codon 7 codons downstream. This variant is expected to result in nonsense mediated decay, truncation, or a dysfunctional protein product. This variant is rare in the general population with a frequency below the threshold expected for the associated phenotype(s). This variant has been observed in one or more individuals affected with the associated recessive disease, as either homozygous or compound heterozygous with a second variant (PMID: 35979658). Given the available evidence, this variant is classified as Pathogenic.

Myriad Genetics, Inc.
Classification: Pathogenic for Recessive dystrophic epidermolysis bullosa. Last evaluated: 2024-06-23. Review status: criteria provided, single submitter. Criteria: Myriad Autosomal Dominant, Autosomal Recessive and X-Linked Classification Criteria (2023). Collection method: clinical testing. Allele origin: unknown.
Comment: NM_000094.3(COL7A1):c.7244dupT(M2415Ifs*7) is expected to be pathogenic in the context of dystrophic epidermolysis bullosa. This variant is predicted to lead to an abnormal or absent protein product due to the creation of a premature termination codon in COL7A1, a gene where loss-of-function variants are known to be pathogenic. Please note: this variant was assessed in the context of healthy population screening.

Center for Research in Genodermatoses and Epidermolysis Bullosa, University of Buenos Aires
Classification: Pathogenic for Recessive dystrophic epidermolysis bullosa. Last evaluated: 2022-03-14. Review status: criteria provided, single submitter. Criteria: ACMG Guidelines, 2015. Collection method: clinical testing. Allele origin: germline. Affected: yes. Observed: 6 variant alleles, 6 compound heterozygotes.

Labcorp Genetics (formerly Invitae), Labcorp
Classification: Pathogenic. Last evaluated: 2022-02-10. Review status: criteria provided, single submitter. Criteria: Invitae Variant Classification Sherloc (09022015). Collection method: clinical testing. Allele origin: germline.
Comment: This sequence change creates a premature translational stop signal (p.Met2415Ilefs*7) in the COL7A1 gene. It is expected to result in an absent or disrupted protein product. Loss-of-function variants in COL7A1 are known to be pathogenic (PMID: 16971478). This variant is not present in population databases (gnomAD no frequency). For these reasons, this variant has been classified as Pathogenic. This variant has not been reported in the literature in individuals affected with COL7A1-related conditions.

Literature cited by the submitters: PubMed 35979658 (cited by Natera, Inc. and Center for Research in Genodermatoses and Epidermolysis Bullosa, University of Buenos Aires); PubMed 16971478 (cited by Labcorp Genetics (formerly Invitae), Labcorp).

NM_000094.4(COL7A1):c.7244dup (p.Met2415fs)

Gene: COL7A1 (collagen type VII alpha 1 chain; minus strand). Cytogenetic location: 3p21.31.
Variant type: Duplication.
Coding change: c.7244dup on transcript NM_000094.4 (MANE Select); coding-DNA position 7244, one base duplicated (T; older notation c.7244dupT).
Protein change: p.Met2415fs; shifts the reading frame from methionine 2415.
Molecular consequence: frameshift variant.
Genome position (GRCh38, 1-based): chr3:48,570,889, A duplicated on the plus strand (T on the coding strand, the reverse complement: COL7A1 is on the minus strand). VCF-style (leftmost placement, unchanged base first): chr3-48570888-C-CA. GRCh37 (hg19) VCF-style: chr3-48608321-C-CA.
Other names: c.7244dupT (NM_000094.3); short protein forms M2415fs.
Identifiers: ClinVar variation 1454264 (VCV001454264.28), dbSNP rs1336686272, ClinGen allele CA907759396.